The following is an entry in ClinVar:

ClinVar aggregate classification (germline): Uncertain significance (1 of 4 stars; one submission).

Conditions:
Hereditary cancer-predisposing syndrome. Also called: Neoplastic Syndromes, Hereditary; Hereditary Cancer Syndrome; Tumor predisposition; Hereditary neoplastic syndrome. Identifiers: Orphanet 140162, MedGen C0027672, MeSH D009386, MONDO:0015356.

Submission:

Ambry Genetics
Classification: Uncertain significance for Hereditary cancer-predisposing syndrome. Last evaluated: 2025-02-26. Review status: criteria provided, single submitter. Criteria: Ambry Variant Classification Scheme 2023. Collection method: clinical testing. Allele origin: germline.
Comment: The p.P1656L variant (also known as c.4967C>T), located in coding exon 38 of the POLE gene, results from a C to T substitution at nucleotide position 4967. The proline at codon 1656 is replaced by leucine, an amino acid with similar properties. This amino acid position is conserved. In addition, this alteration is predicted to be deleterious by in silico analysis. Based on the available evidence, the clinical significance of this variant remains unclear.

NM_006231.4(POLE):c.4967C>T (p.Pro1656Leu)

Gene: POLE (DNA polymerase epsilon, catalytic subunit; minus strand). Cytogenetic location: 12q24.33.
Variant type: single nucleotide variant.
Coding change: c.4967C>T on transcript NM_006231.4 (MANE Select); coding-DNA position 4967, C replaced by T.
Protein change: p.Pro1656Leu; replaces proline 1656 with leucine.
Molecular consequence: missense variant.
Genome position (GRCh38, 1-based): chr12:132,642,383, G>A on the plus strand (C>T on the coding strand, the complement: POLE is on the minus strand). VCF-style: chr12-132642383-G-A. GRCh37 (hg19) VCF-style: chr12-133218969-G-A.
Other names: short protein forms P1656L.
Identifiers: ClinVar variation 3781597 (VCV003781597.1).
Genomic context (GRCh38, chr12:132,642,383, plus strand): 5'-TGGCGGGCAAAGAAGAGGTCGGAGCCGAATGTGGAGATGTCCTCTGGTAGGTTCCCAATG[G>A]GAATGTGAAAGTACCTGCACCAGGGCACAGGTCAGCACCGGGGCACATCGCCGGGTCACA-3'
Protein context (NP_006222.2, residues 1646-1666): AFEMSRYFHI[Pro1656Leu]IGNLPEDIST